The following is an entry in ClinVar:

NM_002253.4(KDR):c.3456G>A (p.Thr1152=)

Gene: KDR (kinase insert domain receptor; minus strand). Cytogenetic location: 4q12.
Variant type: single nucleotide variant.
Coding change: c.3456G>A on transcript NM_002253.4 (MANE Select); coding-DNA position 3456, G replaced by A.
Protein change: p.Thr1152=; no amino-acid change (threonine 1152 retained).
Molecular consequence: synonymous variant.
Genome position (GRCh38, 1-based): chr4:55,088,922, C>T on the plus strand (G>A on the coding strand, the complement: KDR is on the minus strand). VCF-style: chr4-55088922-C-T. GRCh37 (hg19) VCF-style: chr4-55955089-C-T.
Identifiers: ClinVar variation 3052916 (VCV003052916.2), dbSNP rs56242771, ClinGen allele CA2924107.

ClinVar aggregate classification (germline): Likely benign (0 of 4 stars; one submission).

Conditions:
KDR-related disorder. Also called: KDR-related condition.

Allele frequency attached by ClinVar (database versions not stated): gnomAD exomes 0.00006; TOPMed 0.00018; ExAC 0.00028; 1000 Genomes Project 0.00120; 1000 Genomes Project 30x 0.00125.

Submission:

PreventionGenetics, part of Exact Sciences
Classification: Likely benign for KDR-related condition. Last evaluated: 2019-08-15. Review status: no assertion criteria provided. Collection method: clinical testing. Allele origin: germline.
Comment: This variant is classified as likely benign based on ACMG/AMP sequence variant interpretation guidelines (Richards et al. 2015 PMID: 25741868, with internal and published modifications).